The following is an entry in ClinVar:

ClinVar aggregate classification (germline): Uncertain significance (1 of 4 stars; one submission).

Conditions:
ALG8 congenital disorder of glycosylation. Also called: ALG8-CDG; CONGENITAL DISORDER OF GLYCOSYLATION, TYPE Ih; CDG Ih. Identifiers: Orphanet 79325, MedGen C2931002, MONDO:0011969, OMIM 608104.

Allele frequency attached by ClinVar (database versions not stated): TOPMed below 0.00001; gnomAD 0.00001.
gnomAD v4.1: 2 of 1,613,958 alleles (0.00012%); highest among the groups gnomAD compares: African/African-American, 0.0027%; no homozygotes.

Submission:

Baylor Genetics
Classification: Uncertain significance for ALG8 congenital disorder of glycosylation. Last evaluated: 2018-07-02. Review status: criteria provided, single submitter. Criteria: ACMG Guidelines, 2015. Collection method: clinical testing. Allele origin: unknown. Affected: yes.
Comment: This variant was determined to be of uncertain significance according to ACMG Guidelines, 2015 [PMID:25741868].

NM_024079.5(ALG8):c.346C>T (p.Leu116Phe)

Gene: ALG8 (ALG8 alpha-1,3-glucosyltransferase; minus strand). Cytogenetic location: 11q14.1.
Variant type: single nucleotide variant.
Coding change: c.346C>T on transcript NM_024079.5 (MANE Select); coding-DNA position 346, C replaced by T.
Protein change: p.Leu116Phe; replaces leucine 116 with phenylalanine.
Molecular consequence: missense variant.
Genome position (GRCh38, 1-based): chr11:78,124,043, G>A on the plus strand (C>T on the coding strand, the complement: ALG8 is on the minus strand). VCF-style: chr11-78124043-G-A. GRCh37 (hg19) VCF-style: chr11-77835089-G-A.
Other names: c.346C>T, p.Leu116Phe (NM_001007027.3); short protein forms L116F.
Identifiers: ClinVar variation 1032156 (VCV001032156.1), dbSNP rs1401833410, ClinGen allele CA382120704.
Genomic context (GRCh38, chr11:78,124,043, plus strand): 5'-CAATACCTTCCATACAAAATGACATGCTCCAGACTTACTCACGGACAGCATACACAAAGA[G>A]TACATCCATAAAGATGACGGAAAATCTCTGGAAAAGTAAGGTCCTTGAGCTGGAGTAATT-3'
Protein context (NP_076984.2, residues 106-126): QRFSVIFMDV[Leu116Phe]FVYAVRECCK